The following is an entry in ClinVar:

NM_001128922.2(LRRC32):c.1456T>C (p.Leu486=)

Genes: LRRC32 (leucine rich repeat containing 32; minus strand), LRRC32-AS1 (LRRC32 antisense RNA 1; plus strand). Cytogenetic location: 11q13.5.
Variant type: single nucleotide variant.
Coding change: c.1456T>C on transcript NM_001128922.2 (MANE Select); coding-DNA position 1456, T replaced by C.
Protein change: p.Leu486=; no amino-acid change (leucine 486 retained).
Molecular consequence: synonymous variant. On other transcripts: non-coding transcript variant (1), intron variant (1).
Genome position (GRCh38, 1-based): chr11:76,660,137, A>G on the plus strand (T>C on the coding strand, the complement: LRRC32 is on the minus strand). VCF-style: chr11-76660137-A-G. GRCh37 (hg19) VCF-style: chr11-76371181-A-G.
Other names: c.1456T>C, p.Leu486= (NM_001370187.1, NM_001370188.1, NM_005512.3); c.1390T>C, p.Leu464= (NM_001370189.1); c.1126T>C, p.Leu376= (NM_001370190.1); c.85-2103T>C (NM_001370191.1).
Identifiers: ClinVar variation 2642168 (VCV002642168.24), dbSNP rs373530634, ClinGen allele CA6194605.

ClinVar aggregate classification (germline): Likely benign (1 of 4 stars; one submission).

Allele frequency attached by ClinVar (database versions not stated): ExAC 0.00001; gnomAD 0.00001; gnomAD exomes 0.00002; TOPMed 0.00002; ESP Exome Variant Server 0.00008.
gnomAD v4.1: 27 of 1,608,564 alleles (0.0017%); highest among the groups gnomAD compares: Non-Finnish European, 0.0021%; no homozygotes.

Submission:

CeGaT Center for Human Genetics Tuebingen
Classification: Likely benign. Last evaluated: 2023-10-01. Review status: criteria provided, single submitter. Criteria: CeGaT Center For Human Genetics Tuebingen Variant Classification Criteria Version 2. Collection method: clinical testing. Allele origin: germline. Affected: yes. Observed: 1 variant allele.
Comment: LRRC32: BP4, BP7